The following is an entry in ClinVar:

NM_004360.5(CDH1):c.1619G>A (p.Gly540Asp)

Gene: CDH1 (cadherin 1; plus strand). Cytogenetic location: 16q22.1.
Variant type: single nucleotide variant.
Coding change: c.1619G>A on transcript NM_004360.5 (MANE Select); coding-DNA position 1619, G replaced by A.
Protein change: p.Gly540Asp; replaces glycine 540 with aspartic acid.
Molecular consequence: missense variant. On other transcripts: intron variant (1).
Genome position (GRCh38, 1-based): chr16:68,819,333, G>A. VCF-style: chr16-68819333-G-A. GRCh37 (hg19) VCF-style: chr16-68853236-G-A.
Other names: c.1436G>A, p.Gly479Asp (NM_001317184.2); c.71G>A, p.Gly24Asp (NM_001317185.2); c.-254-2668G>A (NM_001317186.2); short protein forms G479D, G540D, G24D.
Identifiers: ClinVar variation 4724389 (VCV004724389.1).

ClinVar aggregate classification (germline): Uncertain significance (1 of 4 stars; one submission).

Conditions:
Hereditary diffuse gastric adenocarcinoma (HDGC). Also called: DIFFUSE GASTRIC AND LOBULAR BREAST CANCER SYNDROME. Identifiers: Orphanet 26106, MedGen C1708349, MONDO:0007648, OMIM 137215.

Submission:

Labcorp Genetics (formerly Invitae), Labcorp
Classification: Uncertain significance for Hereditary diffuse gastric adenocarcinoma. Last evaluated: 2025-07-30. Review status: criteria provided, single submitter. Criteria: Invitae Variant Classification Sherloc (09022015). Collection method: clinical testing. Allele origin: germline.
Comment: This sequence change replaces glycine, which is neutral and non-polar, with aspartic acid, which is acidic and polar, at codon 540 of the CDH1 protein (p.Gly540Asp). This variant is not present in population databases (gnomAD no frequency). This variant has not been reported in the literature in individuals affected with CDH1-related conditions. An algorithm developed to predict the effect of missense changes on protein structure and function (PolyPhen-2) suggests that this variant is likely to be disruptive. In summary, the available evidence is currently insufficient to determine the role of this variant in disease. Therefore, it has been classified as a Variant of Uncertain Significance.